The following is an entry in ClinVar:

ClinVar aggregate classification (germline): Uncertain significance. Review status: criteria provided, multiple submitters, no conflicts (2 of 4 stars). 2 submissions from 2 submitters: Uncertain significance (2). Last evaluated 2025-09-15.

Allele frequency attached by ClinVar (database versions not stated): gnomAD exomes below 0.00001; TOPMed below 0.00001.
gnomAD v4.1: 6 of 1,614,084 alleles (0.00037%); highest among the groups gnomAD compares: Non-Finnish European, 0.00051%; no homozygotes.

Submissions (2):

Ambry Genetics
Classification: Uncertain significance. Last evaluated: 2025-09-15. Review status: criteria provided, single submitter. Criteria: Ambry Variant Classification Scheme 2023. Collection method: clinical testing. Allele origin: germline.

Labcorp Genetics (formerly Invitae), Labcorp
Classification: Uncertain significance. Last evaluated: 2023-04-07. Review status: criteria provided, single submitter. Criteria: Invitae Variant Classification Sherloc (09022015). Collection method: clinical testing. Allele origin: germline.
Comment: This sequence change replaces lysine, which is basic and polar, with threonine, which is neutral and polar, at codon 716 of the IL6ST protein (p.Lys716Thr). This variant is not present in population databases (gnomAD no frequency). This variant has not been reported in the literature in individuals affected with IL6ST-related conditions. An algorithm developed to predict the effect of missense changes on protein structure and function (PolyPhen-2) suggests that this variant is likely to be disruptive. In summary, the available evidence is currently insufficient to determine the role of this variant in disease. Therefore, it has been classified as a Variant of Uncertain Significance.

NM_002184.4(IL6ST):c.2147A>C (p.Lys716Thr)

Gene: IL6ST (interleukin 6 cytokine family signal transducer; minus strand). Cytogenetic location: 5q11.2.
Variant type: single nucleotide variant.
Coding change: c.2147A>C on transcript NM_002184.4 (MANE Select); coding-DNA position 2147, A replaced by C.
Protein change: p.Lys716Thr; replaces lysine 716 with threonine.
Molecular consequence: missense variant. On other transcripts: 3 prime UTR variant (1), non-coding transcript variant (2).
Genome position (GRCh38, 1-based): chr5:55,941,692, T>G on the plus strand (A>C on the coding strand, the complement: IL6ST is on the minus strand). VCF-style: chr5-55941692-T-G. GRCh37 (hg19) VCF-style: chr5-55237520-T-G.
Other names: c.2045A>C, p.Lys682Thr (NM_001364275.2); c.1937A>C, p.Lys646Thr (NM_001364276.2); c.1280A>C, p.Lys427Thr (NM_001364277.2); c.1244A>C, p.Lys415Thr (NM_001364278.2); c.1151A>C, p.Lys384Thr (NM_001364279.2); c.*1074A>C (NM_175767.3); c.2147A>C (NM_002184.3); c.1964A>C, p.Lys655Thr (NM_001190981.2); short protein forms K384T, K415T, K427T, K646T, K655T, K682T, K716T.
Identifiers: ClinVar variation 2884977 (VCV002884977.4), dbSNP rs1750929743, ClinGen allele CA359779504.